The following is an entry in ClinVar:

ClinVar aggregate classification (germline): Likely pathogenic. Review status: criteria provided, multiple submitters, no conflicts (2 of 4 stars). 2 submissions from 2 submitters: Likely pathogenic (2). Last evaluated 2023-07-07.

Conditions:
Desmin-related myofibrillar myopathy (MFM1). Also called: Desminopathy; Desmin related myopathy (former name); Desmin storage myopathy (former name); MYOFIBRILLAR MYOPATHY WITH ARRHYTHMOGENIC RIGHT VENTRICULAR CARDIOMYOPATHY; DESMIN-RELATED MYOPATHY WITH ARRHYTHMOGENIC RIGHT VENTRICULAR CARDIOMYOPATHY; Myofibrillar myopathy 1. Identifiers: Orphanet 363543, Orphanet 98909, MedGen C1832370, MONDO:0011076, OMIM 601419.

Submissions (2):

Labcorp Genetics (formerly Invitae), Labcorp
Classification: Likely pathogenic for Desmin-related myofibrillar myopathy. Last evaluated: 2023-07-07. Review status: criteria provided, single submitter. Criteria: Invitae Variant Classification Sherloc (09022015). Collection method: clinical testing. Allele origin: germline.
Comment: In summary, the currently available evidence indicates that the variant is pathogenic, but additional data are needed to prove that conclusively. Therefore, this variant has been classified as Likely Pathogenic. This sequence change affects an acceptor splice site in intron 1 of the DES gene. It is expected to disrupt RNA splicing. Variants that disrupt the donor or acceptor splice site typically lead to a loss of protein function (PMID: 16199547), and loss-of-function variants in DES are known to be pathogenic (PMID: 23575897). This variant is not present in population databases (gnomAD no frequency). This variant has not been reported in the literature in individuals affected with DES-related conditions. Algorithms developed to predict the effect of sequence changes on RNA splicing suggest that this variant may disrupt the consensus splice site.

GeneDx
Classification: Likely pathogenic. Last evaluated: 2023-05-17. Review status: criteria provided, single submitter. Criteria: GeneDx Variant Classification Process June 2021. Collection method: clinical testing. Allele origin: germline. Affected: yes.
Comment: Canonical splice site variant predicted to result in a null allele in a gene for which loss of function is a known mechanism of disease; Not observed at significant frequency in large population cohorts (gnomAD); Has not been previously published as pathogenic or benign to our knowledge

Literature cited by the submitters: PubMed 16199547 (cited by Labcorp Genetics (formerly Invitae), Labcorp); PubMed 23575897 (cited by Labcorp Genetics (formerly Invitae), Labcorp).

NM_001927.4(DES):c.579-2A>C

Gene: DES (desmin; plus strand). Cytogenetic location: 2q35.
Variant type: single nucleotide variant.
Coding change: c.579-2A>C on transcript NM_001927.4 (MANE Select); the canonical splice acceptor site of the intron before coding-DNA position 579, A replaced by C.
Molecular consequence: splice acceptor variant. On other transcripts: intron variant (1).
Genome position (GRCh38, 1-based): chr2:219,420,093, A>C. VCF-style: chr2-219420093-A-C. GRCh37 (hg19) VCF-style: chr2-220284815-A-C.
Other names: c.579-2A>C (NM_001382712.1, NM_001382711.1, NM_001382710.1 and 2 more transcripts); c.496-432A>C (NM_001382713.1).
Identifiers: ClinVar variation 2948714 (VCV002948714.4), dbSNP rs2545250765, ClinGen allele CA350689607.
Genomic context (GRCh38, chr2:219,420,093, plus strand): 5'-AGTCGTTTCCACTGCCAGCTTTATCACCCGCAACTGTCTGTCTTTCTGTCTGTCCCACCC[A>C]GGCTGCAGGAGGAGATTCAGTTGAAGGAAGAAGCAGAGAACAATTTGGCTGCCTTCCGAG-3'